The following is an entry in ClinVar:

ClinVar aggregate classification (germline): Uncertain significance (1 of 4 stars; one submission).

Conditions:
Developmental and epileptic encephalopathy. Identifiers: MedGen C5779964, MONDO:0100620.

Submission:

Labcorp Genetics (formerly Invitae), Labcorp
Classification: Uncertain significance for Early-infantile DEE. Last evaluated: 2023-08-28. Review status: criteria provided, single submitter. Criteria: Invitae Variant Classification Sherloc (09022015). Collection method: clinical testing. Allele origin: germline.
Comment: Experimental studies and prediction algorithms are not available or were not evaluated, and the functional significance of this variant is currently unknown. In summary, the available evidence is currently insufficient to determine the role of this variant in disease. Therefore, it has been classified as a Variant of Uncertain Significance. A similar copy number variant has been observed in individual(s) with clinical features of KCNQ2-related conditions (Invitae). This variant is a gross deletion of the genomic region encompassing exon(s) 12 of the KCNQ2 gene. This variant would be expected to be in-frame, preserving the integrity of the reading frame.

NC_000020.10:g.(?_62050952)_(62051045_?)del

Gene: KCNQ2 (potassium voltage-gated channel subfamily Q member 2; minus strand). Cytogenetic location: 20q13.33.
Variant type: Deletion.
Identifiers: ClinVar variation 1402135 (VCV001402135.5).